The following is an entry in ClinVar:

NM_000575.5(IL1A):c.325A>G (p.Ile109Val)

Gene: IL1A (interleukin 1 alpha; minus strand). Cytogenetic location: 2q14.1.
Variant type: single nucleotide variant.
Coding change: c.325A>G on transcript NM_000575.5 (MANE Select); coding-DNA position 325, A replaced by G.
Protein change: p.Ile109Val; replaces isoleucine 109 with valine.
Molecular consequence: missense variant.
Genome position (GRCh38, 1-based): chr2:112,779,661, T>C on the plus strand (A>G on the coding strand, the complement: IL1A is on the minus strand). VCF-style: chr2-112779661-T-C. GRCh37 (hg19) VCF-style: chr2-113537238-T-C.
Other names: c.325A>G, p.Ile109Val (NM_001371554.1); short protein forms I109V.
Identifiers: ClinVar variation 3047145 (VCV003047145.2), dbSNP rs1397684554, ClinGen allele CA348303236.
Genomic context (GRCh38, chr2:112,779,661, plus strand): 5'-TCCTCATAAAGTTGTATTTCACATTGCTCAGGAAGCTAAAAGGTGCTGACCTAGGCTTGA[T>C]GATTTCTAAAACCATGATCACAAGTGCAGATTAATGTCTATGTACAAACACAGATGATAT-3'
Protein context (NP_000566.3, residues 99-119): AIANDSEEEI[Ile109Val]KPRSAPFSFL

ClinVar aggregate classification (germline): Uncertain significance (0 of 4 stars; one submission).

Conditions:
IL1A-related disorder. Also called: IL1A-related condition.

Allele frequency attached by ClinVar (database versions not stated): gnomAD exomes below 0.00001; gnomAD 0.00001; TOPMed 0.00001.
gnomAD v4.1: 2 of 1,600,066 alleles (0.00012%); highest among the groups gnomAD compares: Non-Finnish European, 0.00017%; no homozygotes.

Submission:

PreventionGenetics, part of Exact Sciences
Classification: Uncertain significance for IL1A-related condition. Last evaluated: 2023-11-06. Review status: no assertion criteria provided. Collection method: clinical testing. Allele origin: germline.
Comment: The IL1A c.325A>G variant is predicted to result in the amino acid substitution p.Ile109Val. To our knowledge, this variant has not been reported in the literature or in a large population database, indicating this variant is rare. At this time, the clinical significance of this variant is uncertain due to the absence of conclusive functional and genetic evidence.